The following is an entry in ClinVar:

ClinVar aggregate classification (germline): Uncertain significance (1 of 4 stars; one submission).

Conditions:
Frasier syndrome. Identifiers: Orphanet 347, MedGen C0950122, MeSH D052159, MONDO:0007635, OMIM 136680.
Wilms tumor 1 (WT1). Also called: Wilms tumor, somatic. Identifiers: Orphanet 654, MedGen CN033288, MONDO:0008679, OMIM 194070.
11p partial monosomy syndrome (WAGR). Also called: CHROMOSOME 11p13 DELETION SYNDROME; WAGR Spectrum Disorder; WAGR syndrome; WAGR Complex. Identifiers: Orphanet 893, MedGen C0206115, MONDO:0008681, OMIM 194072.
Drash syndrome (DDS). Also called: NEPHROPATHY, WILMS TUMOR, AND GENITAL ANOMALIES; WILMS TUMOR AND PSEUDO- OR TRUE HERMAPHRODITISM. Identifiers: Orphanet 220, MedGen C0950121, MONDO:0008682, OMIM 194080.

Submission:

Labcorp Genetics (formerly Invitae), Labcorp
Classification: Uncertain significance for Wilms tumor 1; Drash syndrome; 11p partial monosomy syndrome; Frasier syndrome. Last evaluated: 2022-09-23. Review status: criteria provided, single submitter. Criteria: Invitae Variant Classification Sherloc (09022015). Collection method: clinical testing. Allele origin: germline.
Comment: This variant has not been reported in the literature in individuals affected with WT1-related conditions. In summary, the available evidence is currently insufficient to determine the role of this variant in disease. Therefore, it has been classified as a Variant of Uncertain Significance. Variants that disrupt the consensus splice site are a relatively common cause of aberrant splicing (PMID: 17576681, 9536098). Algorithms developed to predict the effect of sequence changes on RNA splicing suggest that this variant may disrupt the consensus splice site. This variant is not present in population databases (gnomAD no frequency). This sequence change falls in intron 5 of the WT1 gene. It does not directly change the encoded amino acid sequence of the WT1 protein. It affects a nucleotide within the consensus splice site.

Literature cited by the submitters: PubMed 17576681; PubMed 9536098.

NM_024426.6(WT1):c.1016+6T>C

Gene: WT1 (WT1 transcription factor; minus strand). Cytogenetic location: 11p13.
Variant type: single nucleotide variant.
Coding change: c.1016+6T>C on transcript NM_024426.6 (MANE Select); 6 bases into the intron after coding-DNA position 1016, T replaced by C.
Molecular consequence: intron variant.
Genome position (GRCh38, 1-based): chr11:32,416,484, A>G on the plus strand (T>C on the coding strand, the complement: WT1 is on the minus strand). VCF-style: chr11-32416484-A-G. GRCh37 (hg19) VCF-style: chr11-32438030-A-G.
Other names: c.842+1093T>C (NM_001407050.1); c.893+6T>C (NM_001407047.1); c.965+1093T>C (NM_001407048.1, NM_001407049.1, NM_000378.6 and 1 more transcripts); c.1016+6T>C (NM_001407044.1, NM_001407046.1, NM_024424.5); c.254+6T>C (NM_001407051.1); c.314+1093T>C (NM_001198552.2); c.365+6T>C (NM_001198551.2).
Identifiers: ClinVar variation 2032078 (VCV002032078.4), dbSNP rs2494361888, ClinGen allele CA2580084054.